The following is an entry in ClinVar:

NM_000260.4(MYO7A):c.3260T>A (p.Leu1087Gln)

Gene: MYO7A (myosin VIIA; plus strand). Cytogenetic location: 11q13.5.
Variant type: single nucleotide variant.
Coding change: c.3260T>A on transcript NM_000260.4 (MANE Select); coding-DNA position 3260, T replaced by A.
Protein change: p.Leu1087Gln; replaces leucine 1087 with glutamine.
Molecular consequence: missense variant.
Genome position (GRCh38, 1-based): chr11:77,182,575, T>A. VCF-style: chr11-77182575-T-A. GRCh37 (hg19) VCF-style: chr11-76893620-T-A.
Other names: c.3227T>A, p.Leu1076Gln (NM_001369365.1); c.3260T>A, p.Leu1087Gln (NM_001127180.2); c.3260T>A (NM_000260.3); short protein forms L1076Q, L1087Q.
Identifiers: ClinVar variation 3730159 (VCV003730159.3).

ClinVar aggregate classification (germline): Uncertain significance. Review status: criteria provided, multiple submitters, no conflicts (2 of 4 stars). 2 submissions from 2 submitters: Uncertain significance (2). Last evaluated 2024-12-20.

Conditions:
Inborn genetic diseases. Identifiers: MedGen C0950123, MeSH D030342.

gnomAD v4.1: 86 of 1,612,956 alleles (0.0053%); highest among the groups gnomAD compares: Non-Finnish European, 0.007%; no homozygotes.

Submissions (2):

Ambry Genetics
Classification: Uncertain significance for Inborn genetic diseases. Last evaluated: 2024-12-20. Review status: criteria provided, single submitter. Criteria: Ambry Variant Classification Scheme 2023. Collection method: clinical testing. Allele origin: germline.

Labcorp Genetics (formerly Invitae), Labcorp
Classification: Uncertain significance. Last evaluated: 2024-08-21. Review status: criteria provided, single submitter. Criteria: Invitae Variant Classification Sherloc (09022015). Collection method: clinical testing. Allele origin: germline.
Comment: This sequence change replaces leucine, which is neutral and non-polar, with glutamine, which is neutral and polar, at codon 1087 of the MYO7A protein (p.Leu1087Gln). This variant is present in population databases (rs375050157, gnomAD 0.003%). This variant has not been reported in the literature in individuals affected with MYO7A-related conditions. Invitae Evidence Modeling of protein sequence and biophysical properties (such as structural, functional, and spatial information, amino acid conservation, physicochemical variation, residue mobility, and thermodynamic stability) has been performed for this missense variant. However, the output from this modeling did not meet the statistical confidence thresholds required to predict the impact of this variant on MYO7A protein function. In summary, the available evidence is currently insufficient to determine the role of this variant in disease. Therefore, it has been classified as a Variant of Uncertain Significance.